The following is an entry in ClinVar:

ClinVar aggregate classification (germline): Conflicting classifications of pathogenicity. Review status: criteria provided, conflicting classifications (1 of 4 stars). 3 submissions from 3 submitters: Uncertain significance (1); Likely benign (1). 1 of the submissions does not count toward it. Last evaluated 2021-12-03.

Conditions:
Tremor, hereditary essential, 5 (ETM5). Identifiers: MedGen C4225223, MONDO:0014756, OMIM 616736.
TENM4-related disorder. Also called: TENM4-related condition.

Allele frequency attached by ClinVar (database versions not stated): gnomAD exomes 0.00009 and 0.00018; ExAC 0.00011; gnomAD 0.00014 and 0.00015; TOPMed 0.00019.
gnomAD v4.1: 181 of 1,613,806 alleles (0.011%); highest among the groups gnomAD compares: East Asian, 0.31%; 1 homozygote.

Submissions (3):

Department of Pathology and Laboratory Medicine, Sinai Health System
Classification: Uncertain significance for Tremor, hereditary essential, 5. Last evaluated: 2021-12-03. Review status: criteria provided, single submitter. Criteria: ACMG Guidelines, 2015. Collection method: research. Allele origin: germline.

Labcorp Genetics (formerly Invitae), Labcorp
Classification: Likely benign. Last evaluated: 2018-10-01. Review status: criteria provided, single submitter. Criteria: Invitae Variant Classification Sherloc (09022015). Collection method: clinical testing. Allele origin: germline.

PreventionGenetics, part of Exact Sciences
Classification: Likely benign for TENM4-related condition. Last evaluated: 2019-08-26. Review status: no assertion criteria provided. Collection method: clinical testing. Allele origin: germline. Not counted in ClinVar's aggregate classification.
Comment: This variant is classified as likely benign based on ACMG/AMP sequence variant interpretation guidelines (Richards et al. 2015 PMID: 25741868, with internal and published modifications).

NM_001098816.3(TENM4):c.5545A>G (p.Thr1849Ala)

Gene: TENM4 (teneurin transmembrane protein 4; minus strand). Cytogenetic location: 11q14.1.
Variant type: single nucleotide variant.
Coding change: c.5545A>G on transcript NM_001098816.3 (MANE Select); coding-DNA position 5545, A replaced by G.
Protein change: p.Thr1849Ala; replaces threonine 1849 with alanine.
Molecular consequence: missense variant.
Genome position (GRCh38, 1-based): chr11:78,672,281, T>C on the plus strand (A>G on the coding strand, the complement: TENM4 is on the minus strand). VCF-style: chr11-78672281-T-C. GRCh37 (hg19) VCF-style: chr11-78383326-T-C.
Other names: short protein forms T1849A.
Identifiers: ClinVar variation 730091 (VCV000730091.6), dbSNP rs772977333, ClinGen allele CA6206577.